The following is an entry in ClinVar:

NM_004329.3(BMPR1A):c.347C>T (p.Ala116Val)

Gene: BMPR1A (bone morphogenetic protein receptor type 1A; plus strand). Cytogenetic location: 10q23.2.
Variant type: single nucleotide variant.
Coding change: c.347C>T on transcript NM_004329.3 (MANE Select); coding-DNA position 347, C replaced by T.
Protein change: p.Ala116Val; replaces alanine 116 with valine.
Molecular consequence: missense variant.
Genome position (GRCh38, 1-based): chr10:86,899,807, C>T. VCF-style: chr10-86899807-C-T. GRCh37 (hg19) VCF-style: chr10-88659564-C-T.
Other names: short protein forms A116V.
Identifiers: ClinVar variation 230621 (VCV000230621.20), dbSNP rs750097648, ClinGen allele CA5585493.
Genomic context (GRCh38, chr10:86,899,807, plus strand): 5'-TTTAAAATACCAAACCATTTCTAATTTTATCATTACTCTTCTTTTAGGATTCTCCAAAAG[C>T]CCAGCTACGCCGGACAATAGAATGTTGTCGGACCAATTTATGTAACCAGTATTTGCAACC-3'
Protein context (NP_004320.2, residues 106-126): SDFQCKDSPK[Ala116Val]QLRRTIECCR

ClinVar aggregate classification (germline): Conflicting classifications of pathogenicity. Review status: criteria provided, conflicting classifications (1 of 4 stars). 4 submissions from 4 submitters: Uncertain significance (3); Likely benign (1). Last evaluated 2025-11-03.

Conditions:
Juvenile polyposis syndrome (JPS). Identifiers: Orphanet 2929, MedGen C0345893, MONDO:0017380, OMIM 174900.
Hereditary cancer-predisposing syndrome. Also called: Hereditary Cancer Syndrome; Neoplastic Syndromes, Hereditary; Tumor predisposition; Hereditary neoplastic syndrome. Identifiers: Orphanet 140162, MedGen C0027672, MeSH D009386, MONDO:0015356.
Polyposis syndrome, hereditary mixed, 2. Identifiers: Orphanet 157794, MedGen C1864730, MONDO:0012405, OMIM 610069.

Allele frequency attached by ClinVar (database versions not stated): gnomAD exomes below 0.00001; ExAC 0.00001; gnomAD 0.00001; TOPMed 0.00002.
gnomAD v4.1: 2 of 1,613,832 alleles (0.00012%); highest among the groups gnomAD compares: African/African-American, 0.0027%; no homozygotes.

Submissions (4):

Labcorp Genetics (formerly Invitae), Labcorp
Classification: Uncertain significance for Juvenile polyposis syndrome. Last evaluated: 2025-11-03. Review status: criteria provided, single submitter. Criteria: Invitae Variant Classification Sherloc (09022015). Collection method: clinical testing. Allele origin: germline.
Comment: This sequence change replaces alanine, which is neutral and non-polar, with valine, which is neutral and non-polar, at codon 116 of the BMPR1A protein (p.Ala116Val). This variant is present in population databases (rs750097648, gnomAD 0.01%). This variant has not been reported in the literature in individuals affected with BMPR1A-related conditions. ClinVar contains an entry for this variant (Variation ID: 230621). Invitae Evidence Modeling of protein sequence and biophysical properties (such as structural, functional, and spatial information, amino acid conservation, physicochemical variation, residue mobility, and thermodynamic stability) has been performed for this missense variant. However, the output from this modeling did not meet the statistical confidence thresholds required to predict the impact of this variant on BMPR1A protein function. In summary, the available evidence is currently insufficient to determine the role of this variant in disease. Therefore, it has been classified as a Variant of Uncertain Significance.

Ambry Genetics
Classification: Likely benign for Hereditary cancer-predisposing syndrome. Last evaluated: 2024-05-07. Review status: criteria provided, single submitter. Criteria: Ambry Variant Classification Scheme 2023. Collection method: clinical testing. Allele origin: germline.

Color Diagnostics, LLC DBA Color Health
Classification: Uncertain significance for Hereditary cancer-predisposing syndrome. Last evaluated: 2023-12-05. Review status: criteria provided, single submitter. Criteria: ACMG Guidelines, 2015. Collection method: clinical testing. Allele origin: germline.
Comment: This missense variant replaces alanine with valine at codon 116 of the BMPR1A protein. Computational prediction suggests that this variant may not impact protein structure and function (internally defined REVEL score threshold <= 0.5, PMID: 27666373). To our knowledge, functional studies have not been reported for this variant. This variant has not been reported in individuals affected with BMPR1A-related disorders in the literature. This variant has been identified in 3/282856 chromosomes in the general population by the Genome Aggregation Database (gnomAD). The available evidence is insufficient to determine the role of this variant in disease conclusively. Therefore, this variant is classified as a Variant of Uncertain Significance.

Baylor Genetics
Classification: Uncertain significance for Polyposis syndrome, hereditary mixed, 2. Last evaluated: 2023-10-10. Review status: criteria provided, single submitter. Criteria: ACMG Guidelines, 2015. Collection method: clinical testing. Allele origin: unknown.